The following is an entry in ClinVar:

ClinVar aggregate classification (germline): Uncertain significance (1 of 4 stars; one submission).

Conditions:
SLC5A2-related disorder. Also called: SLC5A2-related condition.

gnomAD v4.1: 1 of 1,610,338 alleles (0.000062%); highest among the groups gnomAD compares: South Asian, 0.0011%; no homozygotes.

Submission:

PreventionGenetics, part of Exact Sciences
Classification: Uncertain significance for SLC5A2-related condition. Last evaluated: 2026-07-21. Review status: criteria provided, single submitter. Criteria: ACMG Guidelines, 2015. Collection method: clinical testing. Allele origin: germline.
Comment: The SLC5A2 c.1534G>A variant is predicted to result in the amino acid substitution p.Val512Met. To our knowledge, this variant has not been reported in the literature or in a large population database (gnomAD), indicating this variant is rare. At this time, the clinical significance of this variant is uncertain due to the absence of conclusive functional and genetic evidence.

NM_003041.4(SLC5A2):c.1534G>A (p.Val512Met)

Gene: SLC5A2 (solute carrier family 5 member 2; plus strand). Cytogenetic location: 16p11.2.
Variant type: single nucleotide variant.
Coding change: c.1534G>A on transcript NM_003041.4 (MANE Select); coding-DNA position 1534, G replaced by A.
Protein change: p.Val512Met; replaces valine 512 with methionine.
Molecular consequence: missense variant. On other transcripts: non-coding transcript variant (1).
Genome position (GRCh38, 1-based): chr16:31,489,207, G>A. VCF-style: chr16-31489207-G-A. GRCh37 (hg19) VCF-style: chr16-31500528-G-A.
Other names: short protein forms V512M.
Identifiers: ClinVar variation 4995627 (VCV004995627.1).